The following is an entry in ClinVar:

NM_000142.5(FGFR3):c.2017C>T (p.His673Tyr)

Gene: FGFR3 (fibroblast growth factor receptor 3; plus strand). Cytogenetic location: 4p16.3.
Variant type: single nucleotide variant.
Coding change: c.2017C>T on transcript NM_000142.5 (MANE Select); coding-DNA position 2017, C replaced by T.
Protein change: p.His673Tyr; replaces histidine 673 with tyrosine.
Molecular consequence: missense variant. On other transcripts: non-coding transcript variant (1), intron variant (1).
Genome position (GRCh38, 1-based): chr4:1,806,314, C>T. VCF-style: chr4-1806314-C-T. GRCh37 (hg19) VCF-style: chr4-1808041-C-T.
Other names: c.2023C>T, p.His675Tyr (NM_001163213.2); c.2020C>T, p.His674Tyr (NM_001354809.2); c.1681C>T, p.His561Tyr (NM_022965.4); c.1962+141C>T (NM_001354810.2); short protein forms H561Y, H673Y, H674Y, H675Y.
Identifiers: ClinVar variation 3899646 (VCV003899646.1).
Genomic context (GRCh38, chr4:1,806,314, plus strand): 5'-CAGGGCCGGCTGCCCGTGAAGTGGATGGCGCCTGAGGCCTTGTTTGACCGAGTCTACACT[C>T]ACCAGAGTGACGTGTACGTGTCCTGCAGAGCTCAGGCTTCAGGGGTGGAGGCGGGAACTG-3'
Protein context (NP_000133.1, residues 663-683): PEALFDRVYT[His673Tyr]QSDVWSFGVL

ClinVar aggregate classification (germline): Uncertain significance (1 of 4 stars; one submission).

Submission:

GeneDx
Classification: Uncertain significance. Last evaluated: 2024-11-15. Review status: criteria provided, single submitter. Criteria: GeneDx Variant Classification Process June 2021. Collection method: clinical testing. Allele origin: germline. Affected: yes.
Comment: In silico analysis supports that this missense variant has a deleterious effect on protein structure/function; Has not been previously published as pathogenic or benign to our knowledge